The following is an entry in ClinVar:

NM_001368397.1(FRMPD4):c.1330C>T (p.Arg444Trp)

Gene: FRMPD4 (FERM and PDZ domain containing 4; plus strand). Cytogenetic location: Xp22.2.
Variant type: single nucleotide variant.
Coding change: c.1330C>T on transcript NM_001368397.1 (MANE Select); coding-DNA position 1330, C replaced by T.
Protein change: p.Arg444Trp; replaces arginine 444 with tryptophan.
Molecular consequence: missense variant.
Genome position (GRCh38, 1-based): chrX:12,707,511, C>T. VCF-style: chrX-12707511-C-T. GRCh37 (hg19) VCF-style: chrX-12725630-C-T.
Other names: c.1441C>T, p.Arg481Trp (NM_001368395.3, NM_001368398.3); c.1336C>T, p.Arg446Trp (NM_001368396.3); c.1321C>T, p.Arg441Trp (NM_001368399.3); c.1210C>T, p.Arg404Trp (NM_001368400.3); c.1306C>T, p.Arg436Trp (NM_001368401.1, NM_001368402.3); c.1330C>T, p.Arg444Trp (NM_014728.3); short protein forms R404W, R436W, R441W, R444W, R446W, R481W.
Identifiers: ClinVar variation 2573780 (VCV002573780.1), dbSNP rs1216151567, ClinGen allele CA412009223.
Genomic context (GRCh38, chrX:12,707,511, plus strand): 5'-TCAACTTCTCTTTCTCAGCAGGCAGAAAAGCGCTCGGAAGTGACTCTCCTGGTTGGGCCC[C>T]GGTATGGCATAAGCCATGTCATCAACACCAAAACCAATCTGGTGGCTCTTTTAGCCGACT-3'
Protein context (NP_001355326.1, residues 434-454): RSEVTLLVGP[Arg444Trp]YGISHVINTK

ClinVar aggregate classification (germline): Uncertain significance (1 of 4 stars; one submission).

gnomAD v4.1: 1 of 1,206,575 alleles (0.000083%); highest among the groups gnomAD compares: Non-Finnish European, 0.00011%; no homozygotes.

Submission:

GeneDx
Classification: Uncertain significance. Last evaluated: 2023-01-19. Review status: criteria provided, single submitter. Criteria: GeneDx Variant Classification Process June 2021. Collection method: clinical testing. Allele origin: germline. Affected: yes.
Comment: Not observed at significant frequency in large population cohorts (gnomAD); In silico analysis supports that this missense variant has a deleterious effect on protein structure/function; Has not been previously published as pathogenic or benign to our knowledge